The following is an entry in ClinVar:

ClinVar aggregate classification (germline): Uncertain significance (1 of 4 stars; one submission).

Submission:

Labcorp Genetics (formerly Invitae), Labcorp
Classification: Uncertain significance. Last evaluated: 2024-11-21. Review status: criteria provided, single submitter. Criteria: Invitae Variant Classification Sherloc (09022015). Collection method: clinical testing. Allele origin: germline.
Comment: This sequence change replaces glutamic acid, which is acidic and polar, with aspartic acid, which is acidic and polar, at codon 447 of the PLTP protein (p.Glu447Asp). This variant is not present in population databases (gnomAD no frequency). This variant has not been reported in the literature in individuals affected with PLTP-related conditions. An algorithm developed to predict the effect of missense changes on protein structure and function (PolyPhen-2) suggests that this variant is likely to be tolerated. In summary, the available evidence is currently insufficient to determine the role of this variant in disease. Therefore, it has been classified as a Variant of Uncertain Significance.

NM_006227.4(PLTP):c.1341G>C (p.Glu447Asp)

Gene: PLTP (phospholipid transfer protein; minus strand). Cytogenetic location: 20q13.12.
Variant type: single nucleotide variant.
Coding change: c.1341G>C on transcript NM_006227.4 (MANE Select); coding-DNA position 1341, G replaced by C.
Protein change: p.Glu447Asp; replaces glutamic acid 447 with aspartic acid.
Molecular consequence: missense variant.
Genome position (GRCh38, 1-based): chr20:45,899,480, C>G on the plus strand (G>C on the coding strand, the complement: PLTP is on the minus strand). VCF-style: chr20-45899480-C-G. GRCh37 (hg19) VCF-style: chr20-44528119-C-G.
Other names: c.1056G>C, p.Glu352Asp (NM_001242920.2); c.1077G>C, p.Glu359Asp (NM_001242921.1); c.1185G>C, p.Glu395Asp (NM_182676.3); short protein forms E352D, E359D, E395D, E447D.
Identifiers: ClinVar variation 3612463 (VCV003612463.2).
Genomic context (GRCh38, chr20:45,899,480, plus strand): 5'-AGGGGAAGGCCCTCCCTCCTTCCCCATCCTGCCCCCACTCACCGCATGGTTCGTCACCAC[C>G]TCATGCACAAAGTTGATGCCCTCAGGTAGTGGGATCTGCACCCCACGCCAGGTCCGCTCT-3'
Protein context (NP_006218.1, residues 437-457): PLPEGINFVH[Glu447Asp]VVTNHAGFLT